The following is an entry in ClinVar:

ClinVar aggregate classification (germline): Conflicting classifications of pathogenicity. Review status: criteria provided, conflicting classifications (1 of 4 stars). 3 submissions from 3 submitters: Uncertain significance (2); Likely benign (1). Last evaluated 2026-01-27.

Conditions:
Cardiovascular phenotype. Identifiers: MedGen CN230736.
Dilated cardiomyopathy 1DD (CMD1DD). Identifiers: Orphanet 154, MedGen C2750995, MONDO:0013168, OMIM 613172.

Allele frequency attached by ClinVar (database versions not stated): gnomAD 0.00001; TOPMed 0.00001; gnomAD exomes 0.00002 and 0.00003.

Submissions (3):

Labcorp Genetics (formerly Invitae), Labcorp
Classification: Likely benign for Dilated cardiomyopathy 1DD. Last evaluated: 2026-01-27. Review status: criteria provided, single submitter. Criteria: Invitae Variant Classification Sherloc (09022015). Collection method: clinical testing. Allele origin: germline.

GeneDx
Classification: Uncertain significance. Last evaluated: 2023-03-31. Review status: criteria provided, single submitter. Criteria: GeneDx Variant Classification Process June 2021. Collection method: clinical testing. Allele origin: germline. Affected: yes.
Comment: Has not been previously published as pathogenic or benign to our knowledge; Not observed at significant frequency in large population cohorts (gnomAD); In silico analysis supports that this missense variant does not alter protein structure/function

Ambry Genetics
Classification: Uncertain significance for Cardiovascular phenotype. Last evaluated: 2022-01-27. Review status: criteria provided, single submitter. Criteria: Ambry Variant Classification Scheme 2023. Collection method: clinical testing. Allele origin: germline.

NM_001134363.3(RBM20):c.3602G>A (p.Gly1201Asp)

Gene: RBM20 (RNA binding motif protein 20; plus strand). Cytogenetic location: 10q25.2.
Variant type: single nucleotide variant.
Coding change: c.3602G>A on transcript NM_001134363.3 (MANE Select); coding-DNA position 3602, G replaced by A.
Protein change: p.Gly1201Asp; replaces glycine 1201 with aspartic acid.
Molecular consequence: missense variant.
Genome position (GRCh38, 1-based): chr10:110,835,896, G>A. VCF-style: chr10-110835896-G-A. GRCh37 (hg19) VCF-style: chr10-112595654-G-A.
Other names: short protein forms G1201D.
Identifiers: ClinVar variation 538017 (VCV000538017.11), dbSNP rs1159249168, ClinGen allele CA378387995.
Genomic context (GRCh38, chr10:110,835,896, plus strand): 5'-CCCTTCCTCCACTTCCCCTCTTCTTTCCACAGAAATATTTGTCCCAGCTGGCCGAGGAGG[G>A]CCTCAAGGAGACCGAGGGGGCAGATAGCCCGAGGCCAGAGGACAGCGGAATCGTGCCACG-3'
Protein context (NP_001127835.2, residues 1191-1211): QKYLSQLAEE[Gly1201Asp]LKETEGADSP